The following is an entry in ClinVar:

ClinVar aggregate classification (germline): Uncertain significance. Review status: criteria provided, multiple submitters, no conflicts (2 of 4 stars). 2 submissions from 2 submitters: Uncertain significance (2). Last evaluated 2025-12-26.

Conditions:
WFS1-related disorder. Identifiers: MedGen CN379391, MONDO:0700293.
Wolfram-like syndrome. Also called: HEARING LOSS, PROGRESSIVE, WITH OPTIC ATROPHY AND/OR IMPAIRED GLUCOSE REGULATION. Identifiers: Orphanet 411590, MedGen C3280358, MONDO:0013673, OMIM 614296.
Cataract 41 (CTRCT41). Also called: CATARACT 41, CONGENITAL NUCLEAR TYPE. Identifiers: Orphanet 91492, Orphanet 98991, Orphanet 98992, Orphanet 98995, MedGen C3805412, MONDO:0007287, OMIM 116400.
Wolfram syndrome 1 (WFS1). Identifiers: Orphanet 3463, MedGen C4551693, MONDO:0009101, OMIM 222300.
Autosomal dominant nonsyndromic hearing loss 6 (LFSNHL). Also called: DEAFNESS, AUTOSOMAL DOMINANT 6; DEAFNESS, AUTOSOMAL DOMINANT 14; DEAFNESS, AUTOSOMAL DOMINANT 38; Autosomal dominant nonsyndromic deafness 6. Identifiers: Orphanet 90635, MedGen C1833021, MONDO:0010963, OMIM 600965.
Type 2 diabetes mellitus. Also called: Type II diabetes mellitus. Identifiers: MedGen C0011860, MeSH D003924, MONDO:0005148, OMIM 125853, HP:0005978.

gnomAD v4.1: 17 of 1,613,832 alleles (0.0011%); highest among the groups gnomAD compares: Non-Finnish European, 0.0014%; no homozygotes.

Submissions (2):

PreventionGenetics, part of Exact Sciences
Classification: Uncertain significance for WFS1-related condition. Last evaluated: 2025-12-26. Review status: criteria provided, single submitter. Criteria: ACMG Guidelines, 2015. Collection method: clinical testing. Allele origin: germline.
Comment: The WFS1 c.1778A>G variant is predicted to result in the amino acid substitution p.Glu593Gly. To our knowledge, this variant has not been reported in the literature. This variant is reported in 0.0062% of alleles in individuals of African descent in gnomAD. At this time, the clinical significance of this variant is uncertain due to the absence of conclusive functional and genetic evidence.

Fulgent Genetics
Classification: Uncertain significance for Cataract 41; Type 2 diabetes mellitus; Wolfram syndrome 1; Autosomal dominant nonsyndromic hearing loss 6; Wolfram-like syndrome. Last evaluated: 2024-06-04. Review status: criteria provided, single submitter. Criteria: ACMG Guidelines, 2015. Collection method: clinical testing. Allele origin: germline.

NM_006005.3(WFS1):c.1778A>G (p.Glu593Gly)

Gene: WFS1 (wolframin ER transmembrane glycoprotein; plus strand). Cytogenetic location: 4p16.1.
Variant type: single nucleotide variant.
Coding change: c.1778A>G on transcript NM_006005.3 (MANE Select); coding-DNA position 1778, A replaced by G.
Protein change: p.Glu593Gly; replaces glutamic acid 593 with glycine.
Molecular consequence: missense variant.
Genome position (GRCh38, 1-based): chr4:6,301,573, A>G. VCF-style: chr4-6301573-A-G. GRCh37 (hg19) VCF-style: chr4-6303300-A-G.
Other names: c.1778A>G, p.Glu593Gly (NM_001145853.1); short protein forms E593G.
Identifiers: ClinVar variation 3590708 (VCV003590708.2).